The following is an entry in ClinVar:

ClinVar aggregate classification (germline): Likely pathogenic (1 of 4 stars; one submission).

Conditions:
Intellectual developmental disorder, autosomal dominant 64. Also called: MENTAL RETARDATION, AUTOSOMAL DOMINANT 64. Identifiers: MedGen C5543067, MONDO:0030934, OMIM 619188.

Submission:

Juno Genomics, Hangzhou Juno Genomics, Inc
Classification: Likely pathogenic for Intellectual developmental disorder, autosomal dominant 64. Review status: criteria provided, single submitter. Criteria: ACMG Guidelines, 2015. Collection method: clinical testing. Allele origin: germline. Affected: yes.
Comment: Null variant in a gene where loss of function (LOF) is a known mechanism of disease.;Absent from controls (or at extremely low frequency if recessive) in Genome Aggregation Database, Exome Sequencing Project, 1000 Genomes Project, or Exome Aggregation Consortium.

NM_015021.3(ZNF292):c.467_468del (p.Gln156fs)

Gene: ZNF292 (zinc finger protein 292; plus strand). Cytogenetic location: 6q14.3.
Variant type: Deletion.
Coding change: c.467_468del on transcript NM_015021.3 (MANE Select); coding-DNA positions 467 to 468, 2 bases deleted (AA; older notation c.467_468delAA).
Protein change: p.Gln156fs; shifts the reading frame from glutamine 156.
Molecular consequence: frameshift variant.
Genome position (GRCh38, 1-based): chr6:87,218,660-87,218,661, AA deleted. VCF-style (leftmost placement, unchanged base first): chr6-87218659-CAA-C. GRCh37 (hg19) VCF-style: chr6-87928377-CAA-C.
Other names: c.47_48del, p.Gln16fs (NM_001351444.2); short protein forms Q156fs, Q16fs.
Identifiers: ClinVar variation 3383150 (VCV003383150.2).